The following is an entry in ClinVar:

ClinVar aggregate classification (germline): Uncertain significance (1 of 4 stars; one submission).

Submission:

Labcorp Genetics (formerly Invitae), Labcorp
Classification: Uncertain significance. Last evaluated: 2025-03-15. Review status: criteria provided, single submitter. Criteria: Invitae Variant Classification Sherloc (09022015). Collection method: clinical testing. Allele origin: germline.
Comment: This sequence change replaces glycine, which is neutral and non-polar, with tryptophan, which is neutral and slightly polar, at codon 1380 of the ALPK3 protein (p.Gly1380Trp). This variant is not present in population databases (gnomAD no frequency). This variant has not been reported in the literature in individuals affected with ALPK3-related conditions. Invitae Evidence Modeling of protein sequence and biophysical properties (such as structural, functional, and spatial information, amino acid conservation, physicochemical variation, residue mobility, and thermodynamic stability) indicates that this missense variant is expected to disrupt ALPK3 protein function with a positive predictive value of 80%. In summary, the available evidence is currently insufficient to determine the role of this variant in disease. Therefore, it has been classified as a Variant of Uncertain Significance.

NM_020778.5(ALPK3):c.3532G>T (p.Gly1178Trp)

Gene: ALPK3 (alpha kinase 3; plus strand). Cytogenetic location: 15q25.3.
Variant type: single nucleotide variant.
Coding change: c.3532G>T on transcript NM_020778.5 (MANE Select); coding-DNA position 3532, G replaced by T.
Protein change: p.Gly1178Trp; replaces glycine 1178 with tryptophan.
Molecular consequence: missense variant.
Genome position (GRCh38, 1-based): chr15:84,858,270, G>T. VCF-style: chr15-84858270-G-T. GRCh37 (hg19) VCF-style: chr15-85401501-G-T.
Other names: short protein forms G1178W.
Identifiers: ClinVar variation 3622250 (VCV003622250.2).